The following is an entry in ClinVar:

ClinVar aggregate classification (germline): Uncertain significance (1 of 4 stars; one submission).

Conditions:
Frontometaphyseal dysplasia (FMD1). Identifiers: Orphanet 1826, MedGen C0265293, MONDO:0015942.
Oto-palato-digital syndrome, type II (OPD2). Also called: FACIOPALATOOSSEOUS SYNDROME; Otopalatodigital Syndrome, Type II; Otopalatodigital Syndrome Type 2 (FLNA-OPD2); OPD II SYNDROME. Identifiers: Orphanet 669, Orphanet 90652, MedGen C1844696, MONDO:0010571, OMIM 304120.
Heterotopia, periventricular, X-linked dominant (PVNH1). Also called: PERIVENTRICULAR NODULAR HETEROTOPIA 4; HETEROTOPIA, PERIVENTRICULAR, 1; PERIVENTRICULAR NODULAR HETEROTOPIA 1; X-linked periventricular heterotopia. Identifiers: Orphanet 2149, Orphanet 82004, MedGen C1848213, MONDO:0010233, OMIM 300049.
Melnick-Needles syndrome (MNS). Also called: Melnick-Needles Syndrome (FLNA-MNS); MELNICK-NEEDLES OSTEODYSPLASTY; OSTEODYSPLASTY OF MELNICK AND NEEDLES. Identifiers: Orphanet 2484, MedGen C0025237, MONDO:0010650, OMIM 309350.

Submission:

Labcorp Genetics (formerly Invitae), Labcorp
Classification: Uncertain significance for Oto-palato-digital syndrome, type II; Heterotopia, periventricular, X-linked dominant; Frontometaphyseal dysplasia; Melnick-Needles syndrome. Last evaluated: 2025-03-04. Review status: criteria provided, single submitter. Criteria: Invitae Variant Classification Sherloc (09022015). Collection method: clinical testing. Allele origin: germline.
Comment: This sequence change replaces arginine, which is basic and polar, with glycine, which is neutral and non-polar, at codon 1172 of the FLNA protein (p.Arg1172Gly). This variant is not present in population databases (gnomAD no frequency). This variant has not been reported in the literature in individuals affected with FLNA-related conditions. ClinVar contains an entry for this variant (Variation ID: 660488). Invitae Evidence Modeling of protein sequence and biophysical properties (such as structural, functional, and spatial information, amino acid conservation, physicochemical variation, residue mobility, and thermodynamic stability) indicates that this missense variant is not expected to disrupt FLNA protein function with a negative predictive value of 95%. In summary, the available evidence is currently insufficient to determine the role of this variant in disease. Therefore, it has been classified as a Variant of Uncertain Significance.

NM_001110556.2(FLNA):c.3514C>G (p.Arg1172Gly)

Gene: FLNA (filamin A; minus strand). Cytogenetic location: Xq28.
Variant type: single nucleotide variant.
Coding change: c.3514C>G on transcript NM_001110556.2 (MANE Select); coding-DNA position 3514, C replaced by G.
Protein change: p.Arg1172Gly; replaces arginine 1172 with glycine.
Molecular consequence: missense variant.
Genome position (GRCh38, 1-based): chrX:154,360,281, G>C on the plus strand (C>G on the coding strand, the complement: FLNA is on the minus strand). VCF-style: chrX-154360281-G-C. GRCh37 (hg19) VCF-style: chrX-153588649-G-C.
Other names: c.3514C>G, p.Arg1172Gly (NM_001456.4); short protein forms R1172G.
Identifiers: ClinVar variation 660488 (VCV000660488.10), dbSNP rs1557177743, ClinGen allele CA415226781.